The following is an entry in ClinVar:

NM_018297.4(NGLY1):c.1431_1435del (p.Lys477fs)

Gene: NGLY1 (N-glycanase 1; minus strand). Cytogenetic location: 3p24.2.
Variant type: Microsatellite.
Coding change: c.1431_1435del on transcript NM_018297.4 (MANE Select); coding-DNA positions 1431 to 1435, 5 bases deleted (AGAAA; older notation c.1431_1435delAGAAA).
Protein change: p.Lys477fs; shifts the reading frame from lysine 477.
Molecular consequence: frameshift variant.
Genome position (GRCh38, 1-based): chr3:25,729,309-25,729,313, TTTCT deleted on the plus strand (AGAAA on the coding strand, the reverse complement: NGLY1 is on the minus strand); deleting any 5 consecutive bases within chr3:25,729,309-25,729,318 gives the same sequence; the c. name uses the placement nearest the transcript's 3' end. VCF-style (leftmost placement, unchanged base first): chr3-25729308-GTTTCT-G. GRCh37 (hg19) VCF-style: chr3-25770799-GTTTCT-G.
Other names: c.1377_1381del, p.Lys459fs (NM_001145293.2); c.1305_1309del, p.Lys435fs (NM_001145294.2); c.1431_1435del, p.Lys477fs (NM_001145295.2); short protein forms K435fs, K477fs, K459fs.
Identifiers: ClinVar variation 1415810 (VCV001415810.6), dbSNP rs750294252, ClinGen allele CA2289150.

ClinVar aggregate classification (germline): Pathogenic (1 of 4 stars; one submission).

Conditions:
Congenital disorder of deglycosylation (CDDG). Identifiers: MedGen C3808991, MONDO:0031376.

Submission:

Labcorp Genetics (formerly Invitae), Labcorp
Classification: Pathogenic for Congenital disorder of deglycosylation. Last evaluated: 2022-11-07. Review status: criteria provided, single submitter. Criteria: Invitae Variant Classification Sherloc (09022015). Collection method: clinical testing. Allele origin: germline.
Comment: This sequence change creates a premature translational stop signal (p.Lys477Asnfs*7) in the NGLY1 gene. It is expected to result in an absent or disrupted protein product. Loss-of-function variants in NGLY1 are known to be pathogenic (PMID: 24651605). This variant is present in population databases (rs750294252, gnomAD 0.01%). This variant has not been reported in the literature in individuals affected with NGLY1-related conditions. For these reasons, this variant has been classified as Pathogenic.

Literature cited by the submitters: PubMed 24651605.